The following is an entry in ClinVar:

ClinVar aggregate classification (germline): Uncertain significance (1 of 4 stars; one submission).

Conditions:
Hypertrophic cardiomyopathy. Also called: HYPERTROPHIC MYOCARDIOPATHY. Identifiers: Orphanet 217569, MedGen C0007194, MeSH D002312, MONDO:0005045, HP:0001639.

Submission:

Labcorp Genetics (formerly Invitae), Labcorp
Classification: Uncertain significance for Hypertrophic cardiomyopathy. Last evaluated: 2023-01-15. Review status: criteria provided, single submitter. Criteria: Invitae Variant Classification Sherloc (09022015). Collection method: clinical testing. Allele origin: germline.
Comment: In summary, the available evidence is currently insufficient to determine the role of this variant in disease. Therefore, it has been classified as a Variant of Uncertain Significance. Algorithms developed to predict the effect of missense changes on protein structure and function (SIFT, PolyPhen-2, Align-GVGD) all suggest that this variant is likely to be tolerated. This variant has not been reported in the literature in individuals affected with MYL3-related conditions. This variant is not present in population databases (gnomAD no frequency). This sequence change replaces threonine, which is neutral and polar, with isoleucine, which is neutral and non-polar, at codon 106 of the MYL3 protein (p.Thr106Ile).

NM_000258.3(MYL3):c.317C>T (p.Thr106Ile)

Gene: MYL3 (myosin light chain 3; minus strand). Cytogenetic location: 3p21.31.
Variant type: single nucleotide variant.
Coding change: c.317C>T on transcript NM_000258.3 (MANE Select); coding-DNA position 317, C replaced by T.
Protein change: p.Thr106Ile; replaces threonine 106 with isoleucine.
Molecular consequence: missense variant.
Genome position (GRCh38, 1-based): chr3:46,859,639, G>A on the plus strand (C>T on the coding strand, the complement: MYL3 is on the minus strand). VCF-style: chr3-46859639-G-A. GRCh37 (hg19) VCF-style: chr3-46901129-G-A.
Other names: c.317C>T, p.Thr106Ile (NM_001406937.1, NM_001406938.1, NM_001406939.1); c.143C>T, p.Thr48Ile (NM_001406940.1, NM_001406941.1); short protein forms T106I, T48I.
Identifiers: ClinVar variation 1962703 (VCV001962703.5), dbSNP rs757333002, ClinGen allele CA352496904.